The following is an entry in ClinVar:

ClinVar aggregate classification (germline): Uncertain significance. Review status: criteria provided, multiple submitters, no conflicts (2 of 4 stars). 3 submissions from 3 submitters: Uncertain significance (3). Last evaluated 2026-03-04.

Conditions:
Progressive microcephaly-seizures-cortical blindness-developmental delay syndrome. Also called: Seizures, cortical blindness, and microcephaly syndrome. Identifiers: Orphanet 477814, MedGen C5567650, MONDO:0014714, OMIM 616632.
Autosomal dominant nonsyndromic hearing loss 1. Also called: KONIGSMARK SYNDROME; DEAFNESS, AUTOSOMAL DOMINANT 1, WITH OR WITHOUT THROMBOCYTOPENIA. Identifiers: Orphanet 90635, MedGen C1852282, MONDO:0007424, OMIM 124900.
DIAPH1-related disorder. Also called: DIAPH1-related condition.

Submissions (3):

PreventionGenetics, part of Exact Sciences
Classification: Uncertain significance for DIAPH1-related condition. Last evaluated: 2026-03-04. Review status: criteria provided, single submitter. Criteria: ACMG Guidelines, 2015. Collection method: clinical testing. Allele origin: germline.
Comment: The DIAPH1 c.1852_1860dup9 variant is predicted to result in an in-frame duplication (p.Pro618_Pro620dup). To our knowledge, this variant has not been reported in the literature. This variant is reported in 0.0091% of alleles in individuals of East Asian descent in gnomAD. At this time, the clinical significance of this variant is uncertain due to the absence of conclusive functional and genetic evidence.

Labcorp Genetics (formerly Invitae), Labcorp
Classification: Uncertain significance for Progressive microcephaly-seizures-cortical blindness-developmental delay syndrome; Autosomal dominant nonsyndromic hearing loss 1. Last evaluated: 2023-07-19. Review status: criteria provided, single submitter. Criteria: Invitae Variant Classification Sherloc (09022015). Collection method: clinical testing. Allele origin: germline.
Comment: In summary, the available evidence is currently insufficient to determine the role of this variant in disease. Therefore, it has been classified as a Variant of Uncertain Significance. Experimental studies and prediction algorithms are not available or were not evaluated, and the functional significance of this variant is currently unknown. ClinVar contains an entry for this variant (Variation ID: 665955). This variant has not been reported in the literature in individuals affected with DIAPH1-related conditions. The frequency data for this variant in the population databases is considered unreliable, as metrics indicate poor data quality at this position in the gnomAD database. This variant, c.1852_1860dup, results in the insertion of 3 amino acid(s) of the DIAPH1 protein (p.Pro618_Pro620dup), but otherwise preserves the integrity of the reading frame.

GeneDx
Classification: Uncertain significance. Last evaluated: 2021-02-09. Review status: criteria provided, single submitter. Criteria: GeneDx Variant Classification Process June 2021. Collection method: clinical testing. Allele origin: germline. Affected: yes.
Comment: In-frame insertion in a repetitive region with no known function; Has not been previously published as pathogenic or benign to our knowledge

NM_005219.5(DIAPH1):c.1852_1860dup (p.Pro618_Pro620dup)

Gene: DIAPH1 (diaphanous related formin 1; minus strand). Cytogenetic location: 5q31.3.
Variant type: Duplication.
Coding change: c.1852_1860dup on transcript NM_005219.5 (MANE Select); coding-DNA positions 1852 to 1860, 9 bases duplicated (CCACCTCCT; older notation c.1852_1860dupCCACCTCCT).
Protein change: p.Pro618_Pro620dup.
Molecular consequence: inframe insertion.
Genome position (GRCh38, 1-based): chr5:141,573,990-141,573,998, AGGAGGTGG duplicated on the plus strand (CCACCTCCT on the coding strand, the reverse complement: DIAPH1 is on the minus strand); duplicating any 9 consecutive bases within chr5:141,573,990-141,574,004 gives the same sequence; the c. name uses the placement nearest the transcript's 3' end. VCF-style (leftmost placement, unchanged base first): chr5-141573989-A-AAGGAGGTGG. GRCh37 (hg19) VCF-style: chr5-140953556-A-AAGGAGGTGG.
Other names: c.1825_1833dup, p.Pro609_Pro611dup (NM_001079812.3); c.1852_1860dup, p.Pro618_Pro620dup (NM_001314007.2); c.1852_1860dup9 (NM_005219.4).
Identifiers: ClinVar variation 665955 (VCV000665955.14), dbSNP rs1562320985, ClinGen allele CA563502796.
Genomic context (GRCh38, chr5:141,573,989, plus strand): 5'-GAGAGATAGCAGTACCTCCAGGTAAAGAAGGGGGTGAGGAGATGCAAACACCCCCAGGCA[A>AAGGAGGTGG]AGGAGGTGGAGGAGGAGGAGGAGGAGGAGGAGGAGGAGGAGTGGTACTATCCCCAGGAGC-3'